The following is an entry in ClinVar:

NM_015259.6(ICOSLG):c.565G>A (p.Val189Ile)

Gene: ICOSLG (inducible T cell costimulator ligand; minus strand). Cytogenetic location: 21q22.3.
Variant type: single nucleotide variant.
Coding change: c.565G>A on transcript NM_015259.6 (MANE Select); coding-DNA position 565, G replaced by A.
Protein change: p.Val189Ile; replaces valine 189 with isoleucine.
Molecular consequence: missense variant.
Genome position (GRCh38, 1-based): chr21:44,235,404, C>T on the plus strand (G>A on the coding strand, the complement: ICOSLG is on the minus strand). VCF-style: chr21-44235404-C-T. GRCh37 (hg19) VCF-style: chr21-45655287-C-T.
Other names: c.565G>A, p.Val189Ile (NM_001283050.2, NM_001395918.1); c.214G>A, p.Val72Ile (NM_001283051.2); c.310G>A, p.Val104Ile (NM_001283052.2); c.484G>A, p.Val162Ile (NM_001365759.2); c.565G>A (NM_015259.4); short protein forms V104I, V162I, V189I, V72I.
Identifiers: ClinVar variation 2142379 (VCV002142379.6), dbSNP rs537324360, ClinGen allele CA321497182.

ClinVar aggregate classification (germline): Uncertain significance. Review status: criteria provided, multiple submitters, no conflicts (2 of 4 stars). 2 submissions from 2 submitters: Uncertain significance (2). Last evaluated 2024-10-16.

Allele frequency attached by ClinVar (database versions not stated): ExAC 0.00008; 1000 Genomes Project 0.00020.

Submissions (2):

Labcorp Genetics (formerly Invitae), Labcorp
Classification: Uncertain significance. Last evaluated: 2024-10-16. Review status: criteria provided, single submitter. Criteria: Invitae Variant Classification Sherloc (09022015). Collection method: clinical testing. Allele origin: germline.
Comment: This sequence change replaces valine, which is neutral and non-polar, with isoleucine, which is neutral and non-polar, at codon 189 of the ICOSLG protein (p.Val189Ile). This variant is present in population databases (rs537324360, gnomAD 0.03%). This variant has not been reported in the literature in individuals affected with ICOSLG-related conditions. ClinVar contains an entry for this variant (Variation ID: 2142379). An algorithm developed to predict the effect of missense changes on protein structure and function outputs the following: PolyPhen-2: "Benign". The isoleucine amino acid residue is found in multiple mammalian species, which suggests that this missense change does not adversely affect protein function. In summary, the available evidence is currently insufficient to determine the role of this variant in disease. Therefore, it has been classified as a Variant of Uncertain Significance.

Ambry Genetics
Classification: Uncertain significance. Last evaluated: 2023-02-07. Review status: criteria provided, single submitter. Criteria: Ambry Variant Classification Scheme 2023. Collection method: clinical testing. Allele origin: germline.